The following is an entry in ClinVar:

ClinVar aggregate classification (germline): Uncertain significance (1 of 4 stars; one submission).

Conditions:
Dyskeratosis congenita, autosomal recessive 5 (DKCB5). Identifiers: MedGen C3554656, MONDO:0014076, OMIM 615190.
Pulmonary fibrosis and/or bone marrow failure, Telomere-related, 3. Also called: PULMONARY FIBROSIS AND/OR BONE MARROW FAILURE SYNDROME, TELOMERE-RELATED, 3. Identifiers: Orphanet 2032, MedGen C4225346, MONDO:0014613, OMIM 616373.

gnomAD v4.1: 1 of 1,612,320 alleles (0.000062%); highest among the groups gnomAD compares: South Asian, 0.0011%; no homozygotes.

Submission:

Labcorp Genetics (formerly Invitae), Labcorp
Classification: Uncertain significance for Dyskeratosis congenita, autosomal recessive 5; Pulmonary fibrosis and/or bone marrow failure, Telomere-related, 3. Last evaluated: 2022-07-13. Review status: criteria provided, single submitter. Criteria: Invitae Variant Classification Sherloc (09022015). Collection method: clinical testing. Allele origin: germline.
Comment: Algorithms developed to predict the effect of missense changes on protein structure and function (SIFT, PolyPhen-2, Align-GVGD) all suggest that this variant is likely to be tolerated. In summary, the available evidence is currently insufficient to determine the role of this variant in disease. Therefore, it has been classified as a Variant of Uncertain Significance. This variant is not present in population databases (gnomAD no frequency). This variant has not been reported in the literature in individuals affected with RTEL1-related conditions. This sequence change replaces glycine, which is neutral and non-polar, with arginine, which is basic and polar, at codon 1235 of the RTEL1 protein (p.Gly1235Arg).

NM_001283009.2(RTEL1):c.3703G>C (p.Gly1235Arg)

Genes: RTEL1 (regulator of telomere elongation helicase 1; plus strand), RTEL1-TNFRSF6B (RTEL1-TNFRSF6B readthrough (NMD candidate); plus strand). Cytogenetic location: 20q13.33.
Variant type: single nucleotide variant.
Coding change: c.3703G>C on transcript NM_001283009.2 (MANE Select); coding-DNA position 3703, G replaced by C.
Protein change: p.Gly1235Arg; replaces glycine 1235 with arginine.
Molecular consequence: missense variant. On other transcripts: non-coding transcript variant (1), intron variant (3).
Genome position (GRCh38, 1-based): chr20:63,695,531, G>C. VCF-style: chr20-63695531-G-C. GRCh37 (hg19) VCF-style: chr20-62326884-G-C.
Other names: c.2983+51G>C (NM_001283010.1); c.3724+51G>C (NM_032957.5); c.3652+51G>C (NM_016434.4); short protein forms G1235R.
Identifiers: ClinVar variation 1995376 (VCV001995376.4), dbSNP rs1200642342, ClinGen allele CA409686539.